The following is an entry in ClinVar:

ClinVar aggregate classification (germline): Pathogenic (1 of 4 stars; one submission).

Submission:

Labcorp Genetics (formerly Invitae), Labcorp
Classification: Pathogenic. Last evaluated: 2020-04-08. Review status: criteria provided, single submitter. Criteria: Invitae Variant Classification Sherloc (09022015). Collection method: clinical testing. Allele origin: germline.
Comment: A gross deletion of the genomic region encompassing the full coding sequence of the PUS1 gene has been identified. The boundaries of this event are unknown as the deletion extends beyond the assayed region for this gene and therefore may encompass additional genes. This variant has not been reported in the literature in individuals with PUS1-related conditions. Loss-of-function variants in PUS1 are known to be pathogenic (PMID: 17056637, 19731322, 25058219, 26556812). For these reasons, this variant has been classified as Pathogenic.

Literature cited by the submitters: PubMed 17056637; PubMed 19731322; PubMed 25058219; PubMed 26556812.

NC_000012.12:g.(?_131929713)_(131943596_?)del

Gene: PUS1 (pseudouridine synthase 1; plus strand). Cytogenetic location: 12q24.33.
Variant type: Deletion.
Identifiers: ClinVar variation 830734 (VCV000830734.4).